The following is an entry in ClinVar:

ClinVar aggregate classification (germline): Likely benign. Review status: criteria provided, multiple submitters, no conflicts (2 of 4 stars). 3 submissions from 3 submitters: Likely benign (3). Last evaluated 2025-01-29.

Conditions:
Autosomal recessive limb-girdle muscular dystrophy type 2J (LGMDR10). Also called: MUSCULAR DYSTROPHY, LIMB-GIRDLE, AUTOSOMAL RECESSIVE 10; Limb-girdle muscular dystrophy, type 2J. Identifiers: Orphanet 140922, MedGen C1837342, MONDO:0012127, OMIM 608807.
Dilated cardiomyopathy 1G (CMD1G). Identifiers: Orphanet 154, MedGen C1858763, MONDO:0011400, OMIM 604145.
Cardiovascular phenotype. Identifiers: MedGen CN230736.

Submissions (3):

Labcorp Genetics (formerly Invitae), Labcorp
Classification: Likely benign for Dilated cardiomyopathy 1G; Autosomal recessive limb-girdle muscular dystrophy type 2J. Last evaluated: 2025-01-29. Review status: criteria provided, single submitter. Criteria: Invitae Variant Classification Sherloc (09022015). Collection method: clinical testing. Allele origin: germline.

Ambry Genetics
Classification: Likely benign for Cardiovascular phenotype. Last evaluated: 2022-12-01. Review status: criteria provided, single submitter. Criteria: Ambry Variant Classification Scheme 2023. Collection method: clinical testing. Allele origin: germline.

GeneDx
Classification: Likely benign. Last evaluated: 2018-01-25. Review status: criteria provided, single submitter. Criteria: GeneDx Variant Classification (06012015). Collection method: clinical testing. Allele origin: germline. Affected: yes.
Comment: This variant is considered likely benign or benign based on one or more of the following criteria: it is a conservative change, it occurs at a poorly conserved position in the protein, it is predicted to be benign by multiple in silico algorithms, and/or has population frequency not consistent with disease.

NM_001267550.2(TTN):c.55758C>G (p.Leu18586=)

Genes: TTN (titin; minus strand), TTN-AS1 (TTN antisense RNA 1; plus strand). Cytogenetic location: 2q31.2.
Variant type: single nucleotide variant.
Coding change: c.55758C>G on transcript NM_001267550.2 (MANE Select); coding-DNA position 55758, C replaced by G.
Protein change: p.Leu18586=; no amino-acid change (leucine 18586 retained).
Molecular consequence: synonymous variant.
Genome position (GRCh38, 1-based): chr2:178,601,146, G>C on the plus strand (C>G on the coding strand, the complement: TTN is on the minus strand). VCF-style: chr2-178601146-G-C. GRCh37 (hg19) VCF-style: chr2-179465873-G-C.
Other names: c.50835C>G, p.Leu16945= (NM_001256850.1); c.28563C>G, p.Leu9521= (NM_003319.4); c.48054C>G, p.Leu16018= (NM_133378.4); c.28938C>G, p.Leu9646= (NM_133432.3); c.29139C>G, p.Leu9713= (NM_133437.4).
Identifiers: ClinVar variation 515129 (VCV000515129.5), dbSNP rs1553671369, ClinGen allele CA430268756.